The following is an entry in ClinVar:

NM_003001.5(SDHC):c.425G>C (p.Gly142Ala)

Gene: SDHC (succinate dehydrogenase complex subunit C; plus strand). Cytogenetic location: 1q23.3.
Variant type: single nucleotide variant.
Coding change: c.425G>C on transcript NM_003001.5 (MANE Select); coding-DNA position 425, G replaced by C.
Protein change: p.Gly142Ala; replaces glycine 142 with alanine.
Molecular consequence: missense variant. On other transcripts: non-coding transcript variant (1).
Genome position (GRCh38, 1-based): chr1:161,362,348, G>C. VCF-style: chr1-161362348-G-C. GRCh37 (hg19) VCF-style: chr1-161332138-G-C.
Other names: c.317G>C, p.Gly106Ala (NM_001407118.1); c.314G>C, p.Gly105Ala (NM_001407119.1, NM_001407120.1); c.204G>C, p.Arg68Ser (NM_001407121.1); c.261G>C, p.Arg87Ser (NM_001035511.3); c.323G>C, p.Gly108Ala (NM_001035512.3); c.266G>C, p.Gly89Ala (NM_001035513.3); c.159G>C, p.Arg53Ser (NM_001278172.3); c.545G>C, p.Gly182Ala (NM_001407115.1); and 2 more; short protein forms G105A, G106A, G108A, G121A, G123A, G142A, G182A, G89A.
Identifiers: ClinVar variation 4864281 (VCV004864281.1).

ClinVar aggregate classification (germline): Uncertain significance (1 of 4 stars; one submission).

Conditions:
Hereditary cancer-predisposing syndrome. Also called: Neoplastic Syndromes, Hereditary; Tumor predisposition; Hereditary Cancer Syndrome; Hereditary neoplastic syndrome. Identifiers: Orphanet 140162, MedGen C0027672, MeSH D009386, MONDO:0015356.

Submission:

Ambry Genetics
Classification: Uncertain significance for Hereditary cancer-predisposing syndrome. Last evaluated: 2026-06-09. Review status: criteria provided, single submitter. Criteria: Ambry Variant Classification Scheme 2023. Collection method: clinical testing. Allele origin: germline.
Comment: The p.G142A variant (also known as c.425G>C), located in coding exon 6 of the SDHC gene, results from a G to C substitution at nucleotide position 425. The glycine at codon 142 is replaced by alanine, an amino acid with similar properties. This amino acid position is conserved. In addition, this alteration is predicted to be deleterious by in silico analysis. Based on the available evidence, the clinical significance of this variant remains unclear.